The following is an entry in ClinVar:

NM_004525.3(LRP2):c.10776C>G (p.His3592Gln)

Gene: LRP2 (LDL receptor related protein 2; minus strand). Cytogenetic location: 2q31.1.
Variant type: single nucleotide variant.
Coding change: c.10776C>G on transcript NM_004525.3 (MANE Select); coding-DNA position 10776, C replaced by G.
Protein change: p.His3592Gln; replaces histidine 3592 with glutamine.
Molecular consequence: missense variant.
Genome position (GRCh38, 1-based): chr2:169,174,157, G>C on the plus strand (C>G on the coding strand, the complement: LRP2 is on the minus strand). VCF-style: chr2-169174157-G-C. GRCh37 (hg19) VCF-style: chr2-170030667-G-C.
Other names: short protein forms H3592Q.
Identifiers: ClinVar variation 3572440 (VCV003572440.1).
Genomic context (GRCh38, chr2:169,174,157, plus strand): 5'-CTGCCAGGATTCTGGGATGCAACGTTTGTTGGCGCACTGCCATTCATTGGAGTCACAGTG[G>C]TGATTCTCTGAGAGCAGGGACATTTGGTTATCAGCTTGGAAGGCATCAAGAATGAAAGCT-3'
Protein context (NP_004516.2, residues 3582-3602): SDEDRLLCEN[His3592Gln]HCDSNEWQCA

ClinVar aggregate classification (germline): Uncertain significance (1 of 4 stars; one submission).

Submission:

GeneDx
Classification: Uncertain significance. Last evaluated: 2024-07-12. Review status: criteria provided, single submitter. Criteria: GeneDx Variant Classification Process June 2021. Collection method: clinical testing. Allele origin: germline. Affected: yes.
Comment: Not observed at significant frequency in large population cohorts (gnomAD); In silico analysis supports that this missense variant has a deleterious effect on protein structure/function; Has not been previously published as pathogenic or benign to our knowledge